The following is an entry in ClinVar:

NM_014714.4(IFT140):c.3719T>C (p.Val1240Ala)

Gene: IFT140 (intraflagellar transport 140; minus strand). Cytogenetic location: 16p13.3.
Variant type: single nucleotide variant.
Coding change: c.3719T>C on transcript NM_014714.4 (MANE Select); coding-DNA position 3719, T replaced by C.
Protein change: p.Val1240Ala; replaces valine 1240 with alanine.
Molecular consequence: missense variant.
Genome position (GRCh38, 1-based): chr16:1,520,285, A>G on the plus strand (T>C on the coding strand, the complement: IFT140 is on the minus strand). VCF-style: chr16-1520285-A-G. GRCh37 (hg19) VCF-style: chr16-1570286-A-G.
Other names: c.3719T>C (NM_014714.3); short protein forms V1240A.
Identifiers: ClinVar variation 1439773 (VCV001439773.12), dbSNP rs149521576, ClinGen allele CA7813046.

ClinVar aggregate classification (germline): Uncertain significance. Review status: criteria provided, multiple submitters, no conflicts (2 of 4 stars). 5 submissions from 5 submitters: Uncertain significance (4). 1 of the submissions does not count toward it. Last evaluated 2025-12-10.

Conditions:
Inborn genetic diseases. Identifiers: MedGen C0950123, MeSH D030342.
Saldino-Mainzer syndrome (SRTD9). Also called: Renal dysplasia, retinal pigmentary dystrophy, cerebellar ataxia and skeletal dysplasia; short-rib thoracic dysplasia 9 with or without polydactyly; CONORENAL SYNDROME; SHORT-RIB THORACIC DYSPLASIA 9 WITHOUT POLYDACTYLY. Identifiers: Orphanet 140969, MedGen C1849437, MONDO:0009964, OMIM 266920.
IFT140-related disorder. Also called: IFT140-related condition.
Retinitis pigmentosa 80 (RP80). Identifiers: MedGen C4540439, MONDO:0054708, OMIM 617781.

Allele frequency attached by ClinVar (database versions not stated): gnomAD exomes 0.00001 and 0.00003; TOPMed 0.00001; ExAC 0.00002; gnomAD 0.00003; ESP Exome Variant Server 0.00015.
gnomAD v4.1: 21 of 1,614,064 alleles (0.0013%); highest among the groups gnomAD compares: Non-Finnish European, 0.0018%; no homozygotes.

Submissions (5):

Ambry Genetics
Classification: Uncertain significance for Inborn genetic diseases. Last evaluated: 2025-12-10. Review status: criteria provided, single submitter. Criteria: Ambry Variant Classification Scheme 2023. Collection method: clinical testing. Allele origin: germline.

Fulgent Genetics
Classification: Uncertain significance for Saldino-Mainzer syndrome; Retinitis pigmentosa 80. Last evaluated: 2023-12-29. Review status: criteria provided, single submitter. Criteria: ACMG Guidelines, 2015. Collection method: clinical testing. Allele origin: germline.

Blueprint Genetics
Classification: Uncertain significance. Last evaluated: 2023-12-18. Review status: criteria provided, single submitter. Criteria: ACMG Guidelines, 2015. Collection method: clinical testing. Allele origin: germline.

Labcorp Genetics (formerly Invitae), Labcorp
Classification: Uncertain significance for Saldino-Mainzer syndrome. Last evaluated: 2021-04-29. Review status: criteria provided, single submitter. Criteria: Invitae Variant Classification Sherloc (09022015). Collection method: clinical testing. Allele origin: germline.
Comment: In summary, the available evidence is currently insufficient to determine the role of this variant in disease. Therefore, it has been classified as a Variant of Uncertain Significance. Algorithms developed to predict the effect of missense changes on protein structure and function are either unavailable or do not agree on the potential impact of this missense change (SIFT: "Tolerated"; PolyPhen-2: "Possibly Damaging"; Align-GVGD: "Class C0"). This variant has not been reported in the literature in individuals with IFT140-related conditions. This variant is present in population databases (rs149521576, ExAC 0.004%). This sequence change replaces valine with alanine at codon 1240 of the IFT140 protein (p.Val1240Ala). The valine residue is moderately conserved and there is a small physicochemical difference between valine and alanine.

PreventionGenetics, part of Exact Sciences
Classification: Uncertain significance for IFT140-related condition. Last evaluated: 2024-05-13. Review status: no assertion criteria provided. Collection method: clinical testing. Allele origin: germline. Not counted in ClinVar's aggregate classification.
Comment: The IFT140 c.3719T>C variant is predicted to result in the amino acid substitution p.Val1240Ala. To our knowledge, this variant has not been reported in the literature. This variant is reported in 0.0062% of alleles in individuals of European (Non-Finnish) descent in gnomAD. At this time, the clinical significance of this variant is uncertain due to the absence of conclusive functional and genetic evidence.